The following is an entry in ClinVar:

NM_003119.4(SPG7):c.377-8C>T

Gene: SPG7 (SPG7 matrix AAA peptidase subunit, paraplegin; plus strand). Cytogenetic location: 16q24.3.
Variant type: single nucleotide variant.
Coding change: c.377-8C>T on transcript NM_003119.4 (MANE Select); 8 bases into the intron before coding-DNA position 377, C replaced by T.
Molecular consequence: intron variant.
Genome position (GRCh38, 1-based): chr16:89,523,998, C>T. VCF-style: chr16-89523998-C-T. GRCh37 (hg19) VCF-style: chr16-89590406-C-T.
Other names: c.377-8C>T (NM_001363850.1, NM_199367.3).
Identifiers: ClinVar variation 515724 (VCV000515724.3), dbSNP rs373168400, ClinGen allele CA8243622.

ClinVar aggregate classification (germline): Likely benign. Review status: criteria provided, multiple submitters, no conflicts (2 of 4 stars). 2 submissions from 2 submitters: Likely benign (2). Last evaluated 2024-04-22.

Conditions:
Hereditary spastic paraplegia 7 (SPG7). Also called: SPASTIC PARAPLEGIA 7, AUTOSOMAL RECESSIVE, WITH OR WITHOUT CEREBELLAR ATAXIA; Spastic paraplegia 7; Hereditary spastic paraplegia Paraplegin type; Autosomal recessive spastic paraplegia type 7; SPG7-related neurologic disorder. Identifiers: Orphanet 99013, MedGen C1846564, MONDO:0011803, OMIM 607259.

Allele frequency attached by ClinVar (database versions not stated): ExAC 0.00001; gnomAD exomes 0.00002; TOPMed 0.00002; gnomAD 0.00003 and 0.00004; ESP Exome Variant Server 0.00015.
gnomAD v4.1: 26 of 1,611,652 alleles (0.0016%); highest among the groups gnomAD compares: Middle Eastern, 0.016%; no homozygotes.

Submissions (2):

Labcorp Genetics (formerly Invitae), Labcorp
Classification: Likely benign for Hereditary spastic paraplegia 7. Last evaluated: 2024-04-22. Review status: criteria provided, single submitter. Criteria: Invitae Variant Classification Sherloc (09022015). Collection method: clinical testing. Allele origin: germline.

GeneDx
Classification: Likely benign. Last evaluated: 2018-02-23. Review status: criteria provided, single submitter. Criteria: GeneDx Variant Classification (06012015). Collection method: clinical testing. Allele origin: germline. Affected: yes.
Comment: This variant is considered likely benign or benign based on one or more of the following criteria: it is a conservative change, it occurs at a poorly conserved position in the protein, it is predicted to be benign by multiple in silico algorithms, and/or has population frequency not consistent with disease.